The following is an entry in ClinVar:

ClinVar aggregate classification (germline): Likely benign. Review status: criteria provided, single submitter (1 of 4 stars). 2 submissions from 2 submitters: Likely benign (1). 1 of the submissions does not count toward it. Last evaluated 2024-01-10.

Conditions:
MOCS2-related disorder. Also called: MOCS2-related condition.

Submissions (2):

Blueprint Genetics
Classification: Likely benign. Last evaluated: 2024-01-10. Review status: criteria provided, single submitter. Criteria: ACMG Guidelines, 2015. Collection method: clinical testing. Allele origin: germline.

PreventionGenetics, part of Exact Sciences
Classification: Likely benign for MOCS2-related condition. Last evaluated: 2019-06-24. Review status: no assertion criteria provided. Collection method: clinical testing. Allele origin: germline. Not counted in ClinVar's aggregate classification.
Comment: This variant is classified as likely benign based on ACMG/AMP sequence variant interpretation guidelines (Richards et al. 2015 PMID: 25741868, with internal and published modifications).

NM_004531.5(MOCS2):c.502-3T>C

Gene: MOCS2 (molybdenum cofactor synthesis 2; minus strand). Cytogenetic location: 5q11.2.
Variant type: single nucleotide variant.
Coding change: c.502-3T>C on transcript NM_004531.5 (MANE Select); 3 bases into the intron before coding-DNA position 502, T replaced by C.
Molecular consequence: intron variant.
Genome position (GRCh38, 1-based): chr5:53,098,670, A>G on the plus strand (T>C on the coding strand, the complement: MOCS2 is on the minus strand). VCF-style: chr5-53098670-A-G. GRCh37 (hg19) VCF-style: chr5-52394500-A-G.
Other names: c.*422-3T>C (NM_176806.4).
Identifiers: ClinVar variation 3043570 (VCV003043570.3), dbSNP rs1561172211, ClinGen allele CA559320446.